The following is an entry in ClinVar:

ClinVar aggregate classification (germline): Uncertain significance (1 of 4 stars; one submission).

Conditions:
Cardiomyopathy (CMYO). Also called: Cardiomyopathies. Identifiers: Orphanet 167848, MedGen C0878544, MONDO:0004994, HP:0001638. Inheritance: Various modes of inheritance.

Submission:

Color Diagnostics, LLC DBA Color Health
Classification: Uncertain significance for Cardiomyopathy. Last evaluated: 2025-02-03. Review status: criteria provided, single submitter. Criteria: ACMG Guidelines, 2015. Collection method: clinical testing. Allele origin: germline.
Comment: This missense variant replaces glutamic acid with aspartic acid at codon 732 of the MYH7 protein. Computational prediction tools and conservation analyses are inconclusive regarding the impact of this variant on protein structure and function. Splice site prediction tools suggest that this variant may not impact RNA splicing. To our knowledge, functional studies have not been performed for this variant. This variant has not been reported in individuals affected with cardiovascular disorders in the literature. This variant has not been identified in the general population by the Genome Aggregation Database (gnomAD). The available evidence is insufficient to determine the role of this variant in disease conclusively. Therefore, this variant is classified as a Variant of Uncertain Significance.

NM_000257.4(MYH7):c.2196G>C (p.Glu732Asp)

Gene: MYH7 (myosin heavy chain 7; minus strand). Cytogenetic location: 14q11.2.
Variant type: single nucleotide variant.
Coding change: c.2196G>C on transcript NM_000257.4 (MANE Select); coding-DNA position 2196, G replaced by C.
Protein change: p.Glu732Asp; replaces glutamic acid 732 with aspartic acid.
Molecular consequence: missense variant.
Genome position (GRCh38, 1-based): chr14:23,425,785, C>G on the plus strand (G>C on the coding strand, the complement: MYH7 is on the minus strand). VCF-style: chr14-23425785-C-G. GRCh37 (hg19) VCF-style: chr14-23894994-C-G.
Other names: short protein forms E732D.
Identifiers: ClinVar variation 922697 (VCV000922697.5), dbSNP rs1465544124, ClinGen allele CA389048932.